The following is an entry in ClinVar:

ClinVar aggregate classification (germline): Likely benign (1 of 4 stars; one submission).

Submission:

CeGaT Center for Human Genetics Tuebingen
Classification: Likely benign. Last evaluated: 2026-02-01. Review status: criteria provided, single submitter. Criteria: CeGaT Center For Human Genetics Tuebingen Variant Classification Criteria Version 2. Collection method: clinical testing. Allele origin: germline. Affected: yes. Observed: 1 variant allele.
Comment: MST1: PM2:Supporting, BP4, BP7

NM_020998.4(MST1):c.2106C>A (p.Ser702=)

Gene: MST1 (macrophage stimulating 1; minus strand). Cytogenetic location: 3p21.31.
Variant type: single nucleotide variant.
Coding change: c.2106C>A on transcript NM_020998.4 (MANE Select); coding-DNA position 2106, C replaced by A.
Protein change: p.Ser702=; no amino-acid change (serine 702 retained).
Molecular consequence: synonymous variant. On other transcripts: non-coding transcript variant (1).
Genome position (GRCh38, 1-based): chr3:49,684,100, G>T on the plus strand (C>A on the coding strand, the complement: MST1 is on the minus strand). VCF-style: chr3-49684100-G-T. GRCh37 (hg19) VCF-style: chr3-49721533-G-T.
Other names: c.2142C>A, p.Ser714= (NM_001393581.1); c.2049C>A, p.Ser683= (NM_001393582.1); c.2016C>A, p.Ser672= (NM_001393583.1); c.1971C>A, p.Ser657= (NM_001393584.1); c.1806C>A, p.Ser602= (NM_001393585.1).
Identifiers: ClinVar variation 4822001 (VCV004822001.4).